The following is an entry in ClinVar:

ClinVar aggregate classification (germline): Likely benign (1 of 4 stars; one submission).

Submission:

CeGaT Center for Human Genetics Tuebingen
Classification: Likely benign. Last evaluated: 2025-04-01. Review status: criteria provided, single submitter. Criteria: CeGaT Center For Human Genetics Tuebingen Variant Classification Criteria Version 2. Collection method: clinical testing. Allele origin: germline. Affected: yes. Observed: 1 variant allele.
Comment: CFHR4: PM2:Supporting, BP4, BP7

NM_001201550.3(CFHR4):c.927T>A (p.Thr309=)

Gene: CFHR4 (complement factor H related 4; plus strand). Cytogenetic location: 1q31.3.
Variant type: single nucleotide variant.
Coding change: c.927T>A on transcript NM_001201550.3 (MANE Select); coding-DNA position 927, T replaced by A.
Protein change: p.Thr309=; no amino-acid change (threonine 309 retained).
Molecular consequence: synonymous variant. On other transcripts: intron variant (1).
Genome position (GRCh38, 1-based): chr1:196,910,408, T>A. VCF-style: chr1-196910408-T-A. GRCh37 (hg19) VCF-style: chr1-196879538-T-A.
Other names: c.924T>A, p.Thr308= (NM_001201551.2); c.257-2332T>A (NM_006684.5).
Identifiers: ClinVar variation 3898676 (VCV003898676.7).